The following is an entry in ClinVar:

NM_000136.3(FANCC):c.816C>G (p.Ile272Met)

Genes: FANCC (FA complementation group C; minus strand), AOPEP (aminopeptidase O (putative); plus strand). Cytogenetic location: 9q22.32.
Variant type: single nucleotide variant.
Coding change: c.816C>G on transcript NM_000136.3 (MANE Select); coding-DNA position 816, C replaced by G.
Protein change: p.Ile272Met; replaces isoleucine 272 with methionine.
Molecular consequence: missense variant.
Genome position (GRCh38, 1-based): chr9:95,135,373, G>C on the plus strand (C>G on the coding strand, the complement: FANCC is on the minus strand). VCF-style: chr9-95135373-G-C. GRCh37 (hg19) VCF-style: chr9-97897655-G-C.
Other names: c.816C>G, p.Ile272Met (NM_001243743.2, NM_001243744.2); short protein forms I272M.
Identifiers: ClinVar variation 1447811 (VCV001447811.13), dbSNP rs55719336, ClinGen allele CA374109225.

ClinVar aggregate classification (germline): Conflicting classifications of pathogenicity. Review status: criteria provided, conflicting classifications (1 of 4 stars). 4 submissions from 4 submitters: Uncertain significance (3); Benign (1). Last evaluated 2024-06-03.

Conditions:
Fanconi anemia (FA). Also called: Fanconi's anemia. Identifiers: Orphanet 84, MedGen C0015625, MeSH D005199, MONDO:0019391.
Hereditary cancer-predisposing syndrome. Also called: Hereditary Cancer Syndrome; Hereditary neoplastic syndrome; Neoplastic Syndromes, Hereditary; Tumor predisposition. Identifiers: Orphanet 140162, MedGen C0027672, MeSH D009386, MONDO:0015356.

gnomAD v4.1: 1 of 1,613,888 alleles (0.000062%); no homozygotes.

Submissions (4):

Labcorp Genetics (formerly Invitae), Labcorp
Classification: Uncertain significance for Fanconi anemia. Last evaluated: 2024-06-03. Review status: criteria provided, single submitter. Criteria: Invitae Variant Classification Sherloc (09022015). Collection method: clinical testing. Allele origin: germline.
Comment: This sequence change replaces isoleucine, which is neutral and non-polar, with methionine, which is neutral and non-polar, at codon 272 of the FANCC protein (p.Ile272Met). This variant is present in population databases (no rsID available, gnomAD 0.007%). This variant has not been reported in the literature in individuals affected with FANCC-related conditions. ClinVar contains an entry for this variant (Variation ID: 1447811). Advanced modeling of protein sequence and biophysical properties (such as structural, functional, and spatial information, amino acid conservation, physicochemical variation, residue mobility, and thermodynamic stability) performed at Invitae indicates that this missense variant is not expected to disrupt FANCC protein function with a negative predictive value of 80%. In summary, the available evidence is currently insufficient to determine the role of this variant in disease. Therefore, it has been classified as a Variant of Uncertain Significance.

Ambry Genetics
Classification: Uncertain significance for Hereditary cancer-predisposing syndrome. Last evaluated: 2024-05-28. Review status: criteria provided, single submitter. Criteria: Ambry Variant Classification Scheme 2023. Collection method: clinical testing. Allele origin: germline.
Comment: The p.I272M variant (also known as c.816C>G), located in coding exon 7 of the FANCC gene, results from a C to G substitution at nucleotide position 816. The isoleucine at codon 272 is replaced by methionine, an amino acid with highly similar properties. This amino acid position is not well conserved in available vertebrate species, and methionine is the reference amino acid in other vertebrate species. In addition, this alteration is predicted to be tolerated by in silico analysis. Since supporting evidence is limited at this time, the clinical significance of this alteration remains unclear.

Mendelics
Classification: Benign. Last evaluated: 2022-05-04. Review status: criteria provided, single submitter. Criteria: Mendelics Assertion Criteria 2019. Collection method: clinical testing. Allele origin: germline.

Sema4
Classification: Uncertain significance for Fanconi anemia. Last evaluated: 2021-11-19. Review status: criteria provided, single submitter. Criteria: Sema4 Curation Guidelines. Collection method: curation. Allele origin: germline.
Comment: The FANCC c.816C>G (p.I272M) variant has been reported in heterozygosity in a breast cancer case-control analysis in 1/60,466 cases and not in 53,461 controls (PMID: 33471991). It was observed in 1/251,432 chromosomes of the African/African American subpopulation in the large and broad cohorts of the Genome Aggregation Database (PMID: 32461654). The variant has not been reported in ClinVar. In silico tools suggest the impact of the variant on protein function is benign, though these predictions have not been confirmed by functional studies. The evidence is insufficient to meet ACMG/AMP criteria for classifying the variant as benign or pathogenic. Thus, the clinical significance of this variant is currently uncertain.

Literature cited by the submitters: PubMed 33471991 (cited by Sema4).